The following is an entry in ClinVar:

NM_001163809.2(WDR81):c.827G>T (p.Arg276Leu)

Gene: WDR81 (WD repeat domain 81; plus strand). Cytogenetic location: 17p13.3.
Variant type: single nucleotide variant.
Coding change: c.827G>T on transcript NM_001163809.2 (MANE Select); coding-DNA position 827, G replaced by T.
Protein change: p.Arg276Leu; replaces arginine 276 with leucine.
Molecular consequence: missense variant. On other transcripts: intron variant (3).
Genome position (GRCh38, 1-based): chr17:1,725,786, G>T. VCF-style: chr17-1725786-G-T. GRCh37 (hg19) VCF-style: chr17-1629080-G-T.
Other names: c.-123-2204G>T (NM_152348.4); c.59-4594G>T (NM_001163673.2); c.-15+1000G>T (NM_001163811.2); short protein forms R276L.
Identifiers: ClinVar variation 1312005 (VCV001312005.2), dbSNP rs200381666, ClinGen allele CA397586879.

ClinVar aggregate classification (germline): Uncertain significance (1 of 4 stars; one submission).

gnomAD v4.1: 18 of 1,550,636 alleles (0.0012%); highest among the groups gnomAD compares: Non-Finnish European, 0.0016%; no homozygotes.

Submission:

GeneDx
Classification: Uncertain significance. Last evaluated: 2020-01-13. Review status: criteria provided, single submitter. Criteria: GeneDx Variant Classification Process June 2021. Collection method: clinical testing. Allele origin: germline. Affected: yes.
Comment: Not observed at a significant frequency in large population cohorts (Lek et al., 2016); In silico analysis, which includes protein predictors and evolutionary conservation, supports a deleterious effect; Has not been previously published as pathogenic or benign to our knowledge